The following is an entry in ClinVar:

ClinVar aggregate classification (germline): Uncertain significance. Review status: criteria provided, multiple submitters, no conflicts (2 of 4 stars). 3 submissions from 3 submitters: Uncertain significance (3). Last evaluated 2025-12-19.

Allele frequency attached by ClinVar (database versions not stated): gnomAD exomes 0.00003; gnomAD 0.00004; ExAC 0.00005; TOPMed 0.00006.
gnomAD v4.1: 44 of 1,613,652 alleles (0.0027%); highest among the groups gnomAD compares: African/African-American, 0.0053%; no homozygotes.

Submissions (3):

Labcorp Genetics (formerly Invitae), Labcorp
Classification: Uncertain significance. Last evaluated: 2025-12-19. Review status: criteria provided, single submitter. Criteria: Invitae Variant Classification Sherloc (09022015). Collection method: clinical testing. Allele origin: germline.
Comment: This sequence change replaces alanine, which is neutral and non-polar, with threonine, which is neutral and polar, at codon 71 of the ROM1 protein (p.Ala71Thr). This variant is present in population databases (rs748080594, gnomAD 0.01%). This variant has not been reported in the literature in individuals affected with ROM1-related conditions. ClinVar contains an entry for this variant (Variation ID: 1904379). Invitae Evidence Modeling of protein sequence and biophysical properties (such as structural, functional, and spatial information, amino acid conservation, physicochemical variation, residue mobility, and thermodynamic stability) indicates that this missense variant is not expected to disrupt ROM1 protein function with a negative predictive value of 80%. In summary, the available evidence is currently insufficient to determine the role of this variant in disease. Therefore, it has been classified as a Variant of Uncertain Significance.

Ambry Genetics
Classification: Uncertain significance. Last evaluated: 2025-06-07. Review status: criteria provided, single submitter. Criteria: Ambry Variant Classification Scheme 2023. Collection method: clinical testing. Allele origin: germline.

Blueprint Genetics
Classification: Uncertain significance. Last evaluated: 2021-11-20. Review status: criteria provided, single submitter. Criteria: ACMG Guidelines, 2015. Collection method: clinical testing. Allele origin: germline.

NM_000327.4(ROM1):c.211G>A (p.Ala71Thr)

Gene: ROM1 (retinal outer segment membrane protein 1; plus strand). Cytogenetic location: 11q12.3.
Variant type: single nucleotide variant.
Coding change: c.211G>A on transcript NM_000327.4 (MANE Select); coding-DNA position 211, G replaced by A.
Protein change: p.Ala71Thr; replaces alanine 71 with threonine.
Molecular consequence: missense variant.
Genome position (GRCh38, 1-based): chr11:62,613,492, G>A. VCF-style: chr11-62613492-G-A. GRCh37 (hg19) VCF-style: chr11-62380964-G-A.
Other names: c.211G>A (NM_000327.3); short protein forms A71T.
Identifiers: ClinVar variation 1904379 (VCV001904379.7), dbSNP rs748080594, ClinGen allele CA6049672.